The following is an entry in ClinVar:

ClinVar aggregate classification (germline): Uncertain significance (1 of 4 stars; one submission).

Conditions:
Hereditary cancer-predisposing syndrome. Also called: Neoplastic Syndromes, Hereditary; Tumor predisposition; Hereditary Cancer Syndrome; Hereditary neoplastic syndrome. Identifiers: Orphanet 140162, MedGen C0027672, MeSH D009386, MONDO:0015356.

Submission:

Ambry Genetics
Classification: Uncertain significance for Hereditary cancer-predisposing syndrome. Last evaluated: 2025-08-19. Review status: criteria provided, single submitter. Criteria: Ambry Variant Classification Scheme 2023. Collection method: clinical testing. Allele origin: germline.
Comment: The p.A176G variant (also known as c.527C>G), located in coding exon 6 of the SMARCE1 gene, results from a C to G substitution at nucleotide position 527. The alanine at codon 176 is replaced by glycine, an amino acid with similar properties. This amino acid position is conserved. In addition, this alteration is predicted to be tolerated by in silico analysis. Based on the available evidence, the clinical significance of this variant remains unclear.

NM_003079.5(SMARCE1):c.527C>G (p.Ala176Gly)

Gene: SMARCE1 (SWI/SNF related BAF chromatin remodeling complex subunit E1; minus strand). Cytogenetic location: 17q21.2.
Variant type: single nucleotide variant.
Coding change: c.527C>G on transcript NM_003079.5 (MANE Select); coding-DNA position 527, C replaced by G.
Protein change: p.Ala176Gly; replaces alanine 176 with glycine.
Molecular consequence: missense variant.
Genome position (GRCh38, 1-based): chr17:40,635,945, G>C on the plus strand (C>G on the coding strand, the complement: SMARCE1 is on the minus strand). VCF-style: chr17-40635945-G-C. GRCh37 (hg19) VCF-style: chr17-38792197-G-C.
Other names: short protein forms A176G.
Identifiers: ClinVar variation 4170326 (VCV004170326.1).